The following is an entry in ClinVar:

ClinVar aggregate classification (germline): Pathogenic/Likely pathogenic. Review status: criteria provided, multiple submitters, no conflicts (2 of 4 stars). 38 submissions from 37 submitters: Pathogenic (27); Likely pathogenic (3). 8 of the submissions do not count toward it. Last evaluated 2026-05-15.

Conditions:
Wolman disease (WOLD). Also called: Acid cholesteryl ester hydrolase deficiency, Wolman type; Acid lipase disease; LYSOSOMAL ACID LIPASE DEFICIENCY, ACUTE INFANTILE; LYSOSOMAL ACID LIPASE DEFICIENCY, COMPLETE; LIPA DEFICIENCY, COMPLETE; LAL DEFICIENCY, COMPLETE. Identifiers: Orphanet 75233, MedGen C0043208, MONDO:0019148, OMIM 620151.
Cholesteryl ester storage disease (CESD). Also called: Childhood/Adult-Onset LAL-D (Cholesterol Ester Storage Disease [CESD]). Identifiers: Orphanet 75234, MedGen C0008384, MONDO:0019149, OMIM 278000.
LIPA-related disorder. Also called: LIPA-related condition; LIPA-related disorders.
Cardiovascular phenotype. Identifiers: MedGen CN230736.
Lysosomal acid lipase deficiency. Also called: Acid cholesteryl ester hydrolase deficiency, type 2. Identifiers: Orphanet 275761, MedGen C5574740, MONDO:0800449, MONDO:0010204.

Allele frequency attached by ClinVar (database versions not stated): ESP Exome Variant Server 0.00038; 1000 Genomes Project 0.00060; 1000 Genomes Project 30x 0.00062; gnomAD 0.00075 and 0.00077; ExAC 0.00083; TOPMed 0.00085.
gnomAD v4.1: 1,782 of 1,603,504 alleles (0.11%); highest among the groups gnomAD compares: Non-Finnish European, 0.14%; 2 homozygotes.

Submissions 1 to 9 of 49:

PreventionGenetics, part of Exact Sciences
Classification: Pathogenic for LIPA-related condition. Last evaluated: 2026-05-15. Review status: criteria provided, single submitter. Criteria: ACMG Guidelines, 2015. Collection method: clinical testing. Allele origin: germline.
Comment: The LIPA c.894G>A variant is not predicted to result in an amino acid change (p.=). RNA analysis has demonstrated that this variant causes exon skipping, resulting in an in-frame deletion of 72 nucleotides and a protein with 5-10% residual activity (Ameis et al. 1995. PubMed ID: 7751811; Fasano et al. 2012. PubMed ID: 22227072). This is the most common pathogenic variant associated with cholesteryl ester storage disease, accounting for 50-60% of disease (Bernstein et al. 2013. PubMed ID: 23485521). This variant is reported in 0.13% of alleles in individuals of European (Non-Finish) descent in gnomAD. This variant is interpreted as pathogenic.

CeGaT Center for Human Genetics Tuebingen
Classification: Pathogenic. Last evaluated: 2026-03-01. Review status: criteria provided, single submitter. Criteria: CeGaT Center For Human Genetics Tuebingen Variant Classification Criteria Version 2. Collection method: clinical testing. Allele origin: germline. Affected: yes. Observed: 6 variant alleles.
Comment: LIPA: PM3:Very Strong, PVS1:Strong, PM2:Supporting

OLLIN Analises Genomicas, OLLIN
Classification: Pathogenic for Wolman disease. Last evaluated: 2026-02-13. Review status: criteria provided, single submitter. Criteria: ACMG Guidelines 2015 PMID 25741868. Collection method: clinical testing. Allele origin: germline. Observed: 1 variant allele.
Comment: PS1, PS3, PM3_VS, PP3, BS2

Labcorp Genetics (formerly Invitae), Labcorp
Classification: Pathogenic for Wolman disease. Last evaluated: 2026-02-01. Review status: criteria provided, single submitter. Criteria: Invitae Variant Classification Sherloc (09022015). Collection method: clinical testing. Allele origin: germline.
Comment: This sequence change affects codon 298 of the LIPA mRNA. It is a 'silent' change, meaning that it does not change the encoded amino acid sequence of the LIPA protein. RNA analysis indicates that this variant induces altered splicing and likely results in a shortened protein product. This variant is present in population databases (rs116928232, gnomAD 0.1%), and has an allele count higher than expected for a pathogenic variant. This variant has been observed in individuals with cholesteryl ester storage disease and is estimated to be carried by 40-60% of affected individuals (PMID: 22227072, 23424026, 23485521). ClinVar contains an entry for this variant (Variation ID: 203361). Algorithms developed to predict the effect of variants on gene product structure and function are not available or were not evaluated for this variant. Experimental studies have shown that this variant affects LIPA function (PMID: 7759067, 8617513, 9684740). Variants that disrupt the consensus splice site are a relatively common cause of aberrant splicing (PMID: 17576681, 9536098). Studies have shown that this variant results in skipping of exon 8, but is expected to preserve the integrity of the reading-frame (PMID: 8254026). For these reasons, this variant has been classified as Pathogenic.

Natera, Inc.
Classification: Pathogenic for Lysosomal acid lipase deficiency. Last evaluated: 2026-01-04. Review status: criteria provided, single submitter. Criteria: Natera Variant Classification Schema (03/2026). Collection method: clinical testing. Allele origin: germline.
Comment: The c.894G>A variant in LIPA is a synonymous variant that does not alter the encoded amino acid at position 298 (p.Q298=). This variant is rare in the general population with a frequency below the threshold expected for the associated phenotype(s). This variant has been observed in one or more individuals affected with the associated recessive disease, as either homozygous or compound heterozygous with a second variant (PMID: 31392116). Computational prediction algorithms indicate this variant is likely to affect gene or protein function. Given the available evidence, this variant is classified as Pathogenic.

Ambry Genetics
Classification: Pathogenic for Cardiovascular phenotype. Last evaluated: 2025-11-07. Review status: criteria provided, single submitter. Criteria: Ambry Variant Classification Scheme 2023. Collection method: clinical testing. Allele origin: germline.
Comment: The c.894G>A (p.Q298Q) alteration is located in exon 8 (coding exon 7) of the LIPA gene. This alteration consists of a G to A substitution at nucleotide position 894. This nucleotide substitution does not change the amino acid at codon 298. However, this change occurs in the last nucleotide of coding exon 7 (c.823_894), which makes it likely to have some effect on normal mRNA splicing. Based on data from gnomAD, the A allele has an overall frequency of 0.09% (254/282604) total alleles studied. The highest observed frequency was 0.13% (167/128942) of European (non-Finnish) alleles. This variant is the most common mutation associated with cholesteryl ester storage disease (CESD) and haplotype analysis indicates that it is a founder mutation (Fasano, 2012). This variant has been identified in the homozygous state and/or in conjunction with other GENE variant(s) in individual(s) with features consistent with Lysosomal acid lipase deficiency, and segregated with disease in at least one family (Ameis, 1995; Anderson, 1999; Tadiboyina, 2005; Stitziel, 2013; Pullinger, 2015; Chora, 2017; Maciejko, 2017). Functional studies have demonstrated that this alteration causes in-frame skipping of exon 7, with only ~3% of mRNA spliced correctly (Klima, 1993; Ameis, 1995; Aslanidis, 1996; Fasano, 2012). Based on the available evidence, this alteration is classified as pathogenic.

Variantyx, Inc.
Classification: Likely pathogenic for Cholesteryl ester storage disease. Last evaluated: 2025-03-10. Review status: criteria provided, single submitter. Criteria: Variantyx Assertion Criteria 2022. Collection method: clinical testing. Allele origin: germline.
Comment: This is a synonymous variant in the LIPA gene (OMIM: 613497). Pathogenic variants in this gene have been associated with autosomal recessive cholesteryl ester storage disease. This variant causes an abnormal splicing, which results in an in-frame skipping of exon 8 (PMID: 8254026) (PM4). This variant has been identified in the homozygous or compound heterozygous state in one or more of the following: the current proband, at least six individuals from the published literature (PMID: 22227072, 31392116, 28881270, 8617513), or previous internal cases (PM3_Very_Strong). This variant has a 0.1352% maximum allele frequency in non-founder control populations. Based on the current evidence, this variant is classified as likely pathogenic for autosomal recessive cholesteryl ester storage disease.

Mayo Clinic Laboratories, Mayo Clinic
Classification: Pathogenic. Last evaluated: 2025-03-04. Review status: criteria provided, single submitter. Criteria: ACMG Guidelines, 2015. Collection method: clinical testing. Allele origin: germline. Observed: 5 variant alleles.
Comment: PP1, PP3, PP4, PM2_supporting, PM3_very_strong, PS3, PS4_moderate

3billion
Classification: Pathogenic for LIPA-related disorder. Last evaluated: 2025-01-22. Review status: criteria provided, single submitter. Criteria: ACMG Guidelines, 2015. Collection method: clinical testing. Allele origin: germline. Affected: yes.
Comment: The variant is observed at an extremely low frequency in the gnomAD v4.1.0 dataset (total allele frequency: 0.111%). Predicted Consequence/Location: Synonymous variant Functional studies provide strong evidence of the variant having a damaging effect on the gene or gene product (PMID: 7759067, 8617513, 9684740). In silico tools predict the variant to alter splicing and produce an abnormal transcript [SpliceAI: 0.91 (>=0.2, moderate evidence for spliceogenicity)]. The variant has been reported at least twice as pathogenic with clinical assertions and evidence for the classification (ClinVar ID: VCV000203361 /PMID: 8254026). Therefore, this variant is classified as Pathogenic according to the recommendation of ACMG/AMP guideline.

NM_000235.4(LIPA):c.894G>A (p.Gln298=)

Gene: LIPA (lipase A, lysosomal acid type; minus strand). Cytogenetic location: 10q23.31.
Variant type: single nucleotide variant.
Coding change: c.894G>A on transcript NM_000235.4 (MANE Select); coding-DNA position 894, G replaced by A.
Protein change: p.Gln298=; no amino-acid change (glutamine 298 retained).
Molecular consequence: synonymous variant.
Genome position (GRCh38, 1-based): chr10:89,222,511, C>T on the plus strand (G>A on the coding strand, the complement: LIPA is on the minus strand). VCF-style: chr10-89222511-C-T. GRCh37 (hg19) VCF-style: chr10-90982268-C-T.
Other names: 934G>A; E8SJ; p.Gln298=; 934G-A; c.894G>A, p.Gln298= (NM_001127605.3); c.546G>A, p.Gln182= (NM_001288979.2).
Identifiers: ClinVar variation 203361 (VCV000203361.96), dbSNP rs116928232, ClinGen allele CA346907.
Genomic context (GRCh38, chr10:89,222,511, plus strand): 5'-GCCCAGACCTTTCTGATGTTGATTTTACATGAACCCCAAATGCACTCCTGGAATGCCTAC[C>T]TGGCTCCAGTGTAACATGTTTTGCACAGAAGTTCCAGCAGGAGAATGTGTTGTATATACA-3'
Protein context (NP_000226.2, residues 288-308): TSVQNMLHWS[Gln298=]AVKFQKFQAF